The following is an entry in ClinVar:

ClinVar aggregate classification (germline): Uncertain significance (1 of 4 stars; one submission).

Conditions:
Duchenne muscular dystrophy (DMD). Also called: MUSCULAR DYSTROPHY, PSEUDOHYPERTROPHIC PROGRESSIVE, DUCHENNE TYPE; Duchenne Muscular Dystrophy (DMD). Identifiers: Orphanet 98896, MedGen C0013264, MONDO:0010679, OMIM 310200.

gnomAD v4.1: 3 of 1,208,405 alleles (0.00025%); highest among the groups gnomAD compares: Non-Finnish European, 0.00034%; no homozygotes.

Submission:

Labcorp Genetics (formerly Invitae), Labcorp
Classification: Uncertain significance for Duchenne muscular dystrophy. Last evaluated: 2025-09-22. Review status: criteria provided, single submitter. Criteria: Invitae Variant Classification Sherloc (09022015). Collection method: clinical testing. Allele origin: germline.
Comment: This sequence change replaces threonine, which is neutral and polar, with alanine, which is neutral and non-polar, at codon 1525 of the DMD protein (p.Thr1525Ala). This variant is not present in population databases (gnomAD no frequency). This missense change has been observed in individual(s) with dilated cardiomyopathy (internal data). ClinVar contains an entry for this variant (Variation ID: 1418896). Invitae Evidence Modeling of protein sequence and biophysical properties (such as structural, functional, and spatial information, amino acid conservation, physicochemical variation, residue mobility, and thermodynamic stability) indicates that this missense variant is not expected to disrupt DMD protein function with a negative predictive value of 95%. In summary, the available evidence is currently insufficient to determine the role of this variant in disease. Therefore, it has been classified as a Variant of Uncertain Significance.

NM_004006.3(DMD):c.4573A>G (p.Thr1525Ala)

Gene: DMD (dystrophin; minus strand). Cytogenetic location: Xp21.1.
Variant type: single nucleotide variant.
Coding change: c.4573A>G on transcript NM_004006.3 (MANE Select); coding-DNA position 4573, A replaced by G.
Protein change: p.Thr1525Ala; replaces threonine 1525 with alanine.
Molecular consequence: missense variant.
Genome position (GRCh38, 1-based): chrX:32,386,411, T>C on the plus strand (A>G on the coding strand, the complement: DMD is on the minus strand). VCF-style: chrX-32386411-T-C. GRCh37 (hg19) VCF-style: chrX-32404528-T-C.
Other names: c.4549A>G, p.Thr1517Ala (NM_000109.4); c.4561A>G, p.Thr1521Ala (NM_004009.3); c.4204A>G, p.Thr1402Ala (NM_004010.3); c.550A>G, p.Thr184Ala (NM_004011.4); c.541A>G, p.Thr181Ala (NM_004012.4); short protein forms T1402A, T181A, T1521A, T1525A, T184A, T1517A.
Identifiers: ClinVar variation 1418896 (VCV001418896.6), dbSNP rs751320057, ClinGen allele CA412662691.